The following is an entry in ClinVar:

NM_022081.6(HPS4):c.1058G>T (p.Ser353Ile)

Gene: HPS4 (HPS4 biogenesis of lysosomal organelles complex 3 subunit 2; minus strand). Cytogenetic location: 22q12.1.
Variant type: single nucleotide variant.
Coding change: c.1058G>T on transcript NM_022081.6 (MANE Select); coding-DNA position 1058, G replaced by T.
Protein change: p.Ser353Ile; replaces serine 353 with isoleucine.
Molecular consequence: missense variant. On other transcripts: non-coding transcript variant (8).
Genome position (GRCh38, 1-based): chr22:26,464,572, C>A on the plus strand (G>T on the coding strand, the complement: HPS4 is on the minus strand). VCF-style: chr22-26464572-C-A. GRCh37 (hg19) VCF-style: chr22-26860538-C-A.
Other names: p.Ser353Ile; c.1058G>T (NM_022081.4); c.1058G>T, p.Ser353Ile (NM_001349896.1, NM_001349898.2, NM_001349899.2 and 5 more transcripts); c.1112G>T, p.Ser371Ile (NM_001349900.2, NM_001349901.1); c.1043G>T, p.Ser348Ile (NM_152841.2); short protein forms S353I, S348I, S371I.
Identifiers: ClinVar variation 2202971 (VCV002202971.3), dbSNP rs759075680, ClinGen allele CA10163415.

ClinVar aggregate classification (germline): Uncertain significance. Review status: criteria provided, multiple submitters, no conflicts (2 of 4 stars). 3 submissions from 3 submitters: Uncertain significance (3). Last evaluated 2025-06-11.

Conditions:
Inborn genetic diseases. Identifiers: MedGen C0950123, MeSH D030342.

Allele frequency attached by ClinVar (database versions not stated): gnomAD 0.00001.

Submissions (3):

Mayo Clinic Laboratories, Mayo Clinic
Classification: Uncertain significance. Last evaluated: 2025-06-11. Review status: criteria provided, single submitter. Criteria: ACMG Guidelines, 2015. Collection method: clinical testing. Allele origin: germline. Observed: 1 variant allele.
Comment: BP4_moderate, PM2_supporting

Ambry Genetics
Classification: Uncertain significance for Inborn genetic diseases. Last evaluated: 2022-06-10. Review status: criteria provided, single submitter. Criteria: Ambry Variant Classification Scheme 2023. Collection method: clinical testing. Allele origin: germline.

Labcorp Genetics (formerly Invitae), Labcorp
Classification: Uncertain significance. Last evaluated: 2022-04-25. Review status: criteria provided, single submitter. Criteria: Invitae Variant Classification Sherloc (09022015). Collection method: clinical testing. Allele origin: germline.
Comment: This sequence change replaces serine, which is neutral and polar, with isoleucine, which is neutral and non-polar, at codon 353 of the HPS4 protein (p.Ser353Ile). This variant is present in population databases (rs759075680, gnomAD 0.007%). This variant has not been reported in the literature in individuals affected with HPS4-related conditions. Algorithms developed to predict the effect of missense changes on protein structure and function are either unavailable or do not agree on the potential impact of this missense change (SIFT: "Deleterious"; PolyPhen-2: "Possibly Damaging"; Align-GVGD: "Class C0"). In summary, the available evidence is currently insufficient to determine the role of this variant in disease. Therefore, it has been classified as a Variant of Uncertain Significance.